The following is an entry in ClinVar:

ClinVar aggregate classification (germline): Uncertain significance (1 of 4 stars; one submission).

Conditions:
Microcephalic primordial dwarfism due to RTTN deficiency (MSSP). Also called: Microcephaly, short stature, and polymicrogyria with or without seizures; MICROCEPHALY, SHORT STATURE, AND POLYMICROGYRIA. Identifiers: Orphanet 468631, MedGen C3553831, MONDO:0018764, OMIM 614833.

Allele frequency attached by ClinVar (database versions not stated): gnomAD exomes 0.00001; ExAC 0.00002.
gnomAD v4.1: 16 of 1,613,754 alleles (0.00099%); highest among the groups gnomAD compares: South Asian, 0.0066%; no homozygotes.

Submission:

Victorian Clinical Genetics Services, Murdoch Childrens Research Institute
Classification: Uncertain significance for Microcephalic primordial dwarfism due to RTTN deficiency. Last evaluated: 2020-05-21. Review status: criteria provided, single submitter. Criteria: ACMG Guidelines, 2015. Collection method: clinical testing. Allele origin: germline. Inheritance: Autosomal recessive inheritance. Affected: yes.
Comment: A heterozygous missense variant was identified, NM_173630.3(RTTN):c.3596T>C in exon 27 of 49 of the RTTN gene. This substitution is predicted to create a moderate amino acid change from an isoleucine to a threonine at position 1199 of the protein; NP_775901.3(RTTN):p.(Ile1199Thr). The isoleucine at this position has low conservation (100 vertebrates, UCSC), and is not located in a particular domain (NCBI, PDB, UniProt). In silico software predicts this variant to be tolerated (PolyPhen2, PROVEAN, MutationAssessor, FATHMM). The variant is present in the gnomAD population database at a frequency of 0.0008% (2 heterozygotes, 0 homozygotes). This variant has not previously been reported in clinical cases. Based on information available at the time of curation, this variant has been classified as a VUS with LOW CLINICAL RELEVANCE.

NM_173630.4(RTTN):c.3596T>C (p.Ile1199Thr)

Gene: RTTN (rotatin; minus strand). Cytogenetic location: 18q22.2.
Variant type: single nucleotide variant.
Coding change: c.3596T>C on transcript NM_173630.4 (MANE Select); coding-DNA position 3596, T replaced by C.
Protein change: p.Ile1199Thr; replaces isoleucine 1199 with threonine.
Molecular consequence: missense variant.
Genome position (GRCh38, 1-based): chr18:70,114,532, A>G on the plus strand (T>C on the coding strand, the complement: RTTN is on the minus strand). VCF-style: chr18-70114532-A-G. GRCh37 (hg19) VCF-style: chr18-67781768-A-G.
Other names: c.860T>C, p.Ile287Thr (NM_001318520.2); short protein forms I1199T, I287T.
Identifiers: ClinVar variation 1805562 (VCV001805562.1), dbSNP rs750649014, ClinGen allele CA8995545.